The following is an entry in ClinVar:

NM_019032.6(ADAMTSL4):c.1049C>T (p.Ser350Phe)

Genes: ADAMTSL4 (ADAMTS like 4; plus strand), ADAMTSL4-AS2 (ADAMTSL4 antisense RNA 2; minus strand). Cytogenetic location: 1q21.2.
Variant type: single nucleotide variant.
Coding change: c.1049C>T on transcript NM_019032.6 (MANE Select); coding-DNA position 1049, C replaced by T.
Protein change: p.Ser350Phe; replaces serine 350 with phenylalanine.
Molecular consequence: missense variant.
Genome position (GRCh38, 1-based): chr1:150,554,040, C>T. VCF-style: chr1-150554040-C-T. GRCh37 (hg19) VCF-style: chr1-150526516-C-T.
Other names: c.1049C>T, p.Ser350Phe (NM_001288607.2, NM_001288608.2, NM_001378596.1 and 1 more transcripts); short protein forms S350F.
Identifiers: ClinVar variation 2181924 (VCV002181924.2), dbSNP rs774377736, ClinGen allele CA1078108.

ClinVar aggregate classification (germline): Uncertain significance (1 of 4 stars; one submission).

Allele frequency attached by ClinVar (database versions not stated): gnomAD exomes below 0.00001; TOPMed below 0.00001; ExAC 0.00001.
gnomAD v4.1: 6 of 1,609,546 alleles (0.00037%); highest among the groups gnomAD compares: Non-Finnish European, 0.00051%; no homozygotes.

Submission:

Labcorp Genetics (formerly Invitae), Labcorp
Classification: Uncertain significance. Last evaluated: 2025-03-17. Review status: criteria provided, single submitter. Criteria: Invitae Variant Classification Sherloc (09022015). Collection method: clinical testing. Allele origin: germline.
Comment: This sequence change replaces serine, which is neutral and polar, with phenylalanine, which is neutral and non-polar, at codon 350 of the ADAMTSL4 protein (p.Ser350Phe). The frequency data for this variant in the population databases is considered unreliable, as metrics indicate poor data quality at this position in the gnomAD database. This variant has not been reported in the literature in individuals affected with ADAMTSL4-related conditions. ClinVar contains an entry for this variant (Variation ID: 2181924). Invitae Evidence Modeling of protein sequence and biophysical properties (such as structural, functional, and spatial information, amino acid conservation, physicochemical variation, residue mobility, and thermodynamic stability) indicates that this missense variant is not expected to disrupt ADAMTSL4 protein function with a negative predictive value of 80%. In summary, the available evidence is currently insufficient to determine the role of this variant in disease. Therefore, it has been classified as a Variant of Uncertain Significance.